The following is an entry in ClinVar:

ClinVar aggregate classification (germline): Uncertain significance. Review status: criteria provided, multiple submitters, no conflicts (2 of 4 stars). 4 submissions from 4 submitters: Uncertain significance (4). Last evaluated 2025-08-10.

Conditions:
Inborn genetic diseases. Identifiers: MedGen C0950123, MeSH D030342.

Allele frequency attached by ClinVar (database versions not stated): TOPMed 0.00001; ESP Exome Variant Server 0.00008.
gnomAD v4.1: 248 of 1,598,740 alleles (0.016%); highest among the groups gnomAD compares: Non-Finnish European, 0.02%; 1 homozygote.

Submissions (4):

Ambry Genetics
Classification: Uncertain significance for Inborn genetic diseases. Last evaluated: 2025-08-10. Review status: criteria provided, single submitter. Criteria: Ambry Variant Classification Scheme 2023. Collection method: clinical testing. Allele origin: germline.

GeneDx
Classification: Uncertain significance. Last evaluated: 2024-11-26. Review status: criteria provided, single submitter. Criteria: GeneDx Variant Classification Process June 2021. Collection method: clinical testing. Allele origin: germline. Affected: yes.
Comment: In silico analysis supports that this missense variant has a deleterious effect on protein structure/function; Has not been previously published as pathogenic or benign to our knowledge

Women's Health and Genetics/Laboratory Corporation of America, LabCorp
Classification: Uncertain significance. Last evaluated: 2024-06-13. Review status: criteria provided, single submitter. Criteria: LabCorp Variant Classification Summary - May 2015. Collection method: clinical testing. Allele origin: germline.
Comment: Variant summary: COL9A1 c.1952C>A (p.Pro651His) results in a non-conservative amino acid change in the encoded protein sequence. Five of five in-silico tools predict a damaging effect of the variant on protein function. The variant allele was found at a frequency of 0.00016 in 1598740 control chromosomes, predominantly at a frequency of 0.0002 within the Non-Finnish European subpopulation in the gnomAD database, including 1 homozygote. To our knowledge, no occurrence of c.1952C>A in individuals affected with COL9A1-Related Disorders and no experimental evidence demonstrating its impact on protein function have been reported. ClinVar contains an entry for this variant (Variation ID: 938659). Based on the evidence outlined above, the variant was classified as uncertain significance.

Labcorp Genetics (formerly Invitae), Labcorp
Classification: Uncertain significance. Last evaluated: 2022-07-18. Review status: criteria provided, single submitter. Criteria: Invitae Variant Classification Sherloc (09022015). Collection method: clinical testing. Allele origin: germline.
Comment: This sequence change replaces proline, which is neutral and non-polar, with histidine, which is basic and polar, at codon 651 of the COL9A1 protein (p.Pro651His). This variant is present in population databases (rs139305174, gnomAD 0.007%). This variant has not been reported in the literature in individuals affected with COL9A1-related conditions. ClinVar contains an entry for this variant (Variation ID: 938659). Advanced modeling of protein sequence and biophysical properties (such as structural, functional, and spatial information, amino acid conservation, physicochemical variation, residue mobility, and thermodynamic stability) performed at Invitae indicates that this missense variant is not expected to disrupt COL9A1 protein function. In summary, the available evidence is currently insufficient to determine the role of this variant in disease. Therefore, it has been classified as a Variant of Uncertain Significance.

NM_001851.6(COL9A1):c.1952C>A (p.Pro651His)

Gene: COL9A1 (collagen type IX alpha 1 chain; minus strand). Cytogenetic location: 6q13.
Variant type: single nucleotide variant.
Coding change: c.1952C>A on transcript NM_001851.6 (MANE Select); coding-DNA position 1952, C replaced by A.
Protein change: p.Pro651His; replaces proline 651 with histidine.
Molecular consequence: missense variant. On other transcripts: non-coding transcript variant (1).
Genome position (GRCh38, 1-based): chr6:70,242,010, G>T on the plus strand (C>A on the coding strand, the complement: COL9A1 is on the minus strand). VCF-style: chr6-70242010-G-T. GRCh37 (hg19) VCF-style: chr6-70951713-G-T.
Other names: c.1253C>A, p.Pro418His (NM_001377289.1); c.1223C>A, p.Pro408His (NM_001377290.1, NM_078485.4); short protein forms P408H, P651H, P418H.
Identifiers: ClinVar variation 938659 (VCV000938659.11), dbSNP rs139305174, ClinGen allele CA3881941.